The following is an entry in ClinVar:

NM_000127.3(EXT1):c.214G>A (p.Glu72Lys)

Gene: EXT1 (exostosin glycosyltransferase 1; minus strand). Cytogenetic location: 8q24.11.
Variant type: single nucleotide variant.
Coding change: c.214G>A on transcript NM_000127.3 (MANE Select); coding-DNA position 214, G replaced by A.
Protein change: p.Glu72Lys; replaces glutamic acid 72 with lysine.
Molecular consequence: missense variant.
Genome position (GRCh38, 1-based): chr8:118,110,833, C>T on the plus strand (G>A on the coding strand, the complement: EXT1 is on the minus strand). VCF-style: chr8-118110833-C-T. GRCh37 (hg19) VCF-style: chr8-119123072-C-T.
Other names: short protein forms E72K.
Identifiers: ClinVar variation 361660 (VCV000361660.15), dbSNP rs150818931, ClinGen allele CA4854395.
Genomic context (GRCh38, chr8:118,110,833, plus strand): 5'-TGCTGGAGTTGGCATCTCGCTTCTGCCGGGGGGAAATGTGCACGCTGGAATCCTCGTTTT[C>T]CAATTGATCCCAAGGAACGAAGGGGCGCAGAGCGTCCGGGAAGCGGGGCCAGAAATGATC-3'
Protein context (NP_000118.2, residues 62-82): LRPFVPWDQL[Glu72Lys]NEDSSVHISP

ClinVar aggregate classification (germline): Likely benign. Review status: criteria provided, multiple submitters, no conflicts (2 of 4 stars). 3 submissions from 3 submitters: Likely benign (3). Last evaluated 2025-01-06.

Conditions:
Multiple congenital exostosis (EXT). Also called: MULTIPLE CARTILAGINOUS EXOSTOSES; Multiple exostoses; Hereditary multiple osteochondromas; Hereditary multiple exostoses; Hereditary multiple exostosis; Multiple osteochondromas. Identifiers: Orphanet 321, MedGen C0015306, MONDO:0005508, HP:0002762.

Allele frequency attached by ClinVar (database versions not stated): gnomAD 0.00006 and 0.00007; ExAC 0.00007; gnomAD exomes 0.00008 and 0.00009; TOPMed 0.00008; 1000 Genomes Project 0.00020; ESP Exome Variant Server 0.00023; 1000 Genomes Project 30x 0.00031.
gnomAD v4.1: 144 of 1,612,452 alleles (0.0089%); highest among the groups gnomAD compares: Middle Eastern, 0.017%; no homozygotes.

Submissions (3):

Labcorp Genetics (formerly Invitae), Labcorp
Classification: Likely benign for Multiple congenital exostosis. Last evaluated: 2025-01-06. Review status: criteria provided, single submitter. Criteria: Invitae Variant Classification Sherloc (09022015). Collection method: clinical testing. Allele origin: germline.

Blueprint Genetics
Classification: Likely benign. Last evaluated: 2024-10-02. Review status: criteria provided, single submitter. Criteria: ACMG Guidelines, 2015. Collection method: clinical testing. Allele origin: germline.

Illumina Laboratory Services, Illumina
Classification: Likely benign for Exostoses, multiple, type 1. Last evaluated: 2017-04-27. Review status: criteria provided, single submitter. Criteria: ICSL Variant Classification Criteria 13 December 2019. Collection method: clinical testing. Allele origin: germline.
Comment: This variant was observed as part of a predisposition screen in an ostensibly healthy population. A literature search was performed for the gene, cDNA change, and amino acid change (where applicable). Publications were found based on this search. The evidence from the literature, in combination with allele frequency data from public databases where available, was sufficient to determine this variant is unlikely to cause disease. Therefore, this variant is classified as likely benign.

Literature cited by the submitters: PubMed 16283885 (cited by Illumina Laboratory Services, Illumina); PubMed 17589361 (cited by Illumina Laboratory Services, Illumina); PubMed 24532482 (cited by Illumina Laboratory Services, Illumina).